The following is an entry in ClinVar:

NM_007194.4(CHEK2):c.*18C>T

Gene: CHEK2 (checkpoint kinase 2; minus strand). Cytogenetic location: 22q12.1.
Variant type: single nucleotide variant.
Coding change: c.*18C>T on transcript NM_007194.4 (MANE Select); 18 bases downstream of the stop codon, C replaced by T.
Molecular consequence: 3 prime UTR variant.
Genome position (GRCh38, 1-based): chr22:28,687,879, G>A on the plus strand (C>T on the coding strand, the complement: CHEK2 is on the minus strand). VCF-style: chr22-28687879-G-A. GRCh37 (hg19) VCF-style: chr22-29083867-G-A.
Other names: c.*18C>T (NM_001005735.3, NM_001257387.3, NM_001349956.3 and 1 more transcripts).
Identifiers: ClinVar variation 136747 (VCV000136747.58), dbSNP rs17884403, ClinGen allele CA290074.

ClinVar aggregate classification (germline): Conflicting classifications of pathogenicity. Review status: criteria provided, conflicting classifications (1 of 4 stars). 13 submissions from 13 submitters: Uncertain significance (4); Benign (2); Likely benign (4). 3 of the submissions do not count toward it. Last evaluated 2025-11-01.

Conditions:
Breast and/or ovarian cancer. Identifiers: MedGen CN221562.
Hereditary cancer-predisposing syndrome. Also called: Tumor predisposition; Hereditary neoplastic syndrome; Hereditary Cancer Syndrome; Neoplastic Syndromes, Hereditary. Identifiers: Orphanet 140162, MedGen C0027672, MeSH D009386, MONDO:0015356.
CHEK2-related cancer predisposition (TPDS4). Also called: TUMOR PREDISPOSITION SYNDROME 4; CANCER PREDISPOSITION SYNDROME, CHEK2-RELATED; CHEK2-related cancer susceptibility. Identifiers: Orphanet 524, MedGen C5882668, MONDO:0700271, OMIM 609265.
Familial cancer of breast. Also called: Hereditary breast cancer; hereditary breast carcinoma; BREAST CANCER, FAMILIAL. Identifiers: Orphanet 227535, MedGen C0346153, MONDO:0016419, OMIM 114480. Disease mechanism: loss of function.

Allele frequency attached by ClinVar (database versions not stated): 1000 Genomes Project 30x 0.00016; ExAC 0.00023; gnomAD 0.00034 and 0.00037.

Submissions (13):

CeGaT Center for Human Genetics Tuebingen
Classification: Likely benign. Last evaluated: 2025-11-01. Review status: criteria provided, single submitter. Criteria: CeGaT Center For Human Genetics Tuebingen Variant Classification Criteria Version 2. Collection method: clinical testing. Allele origin: germline. Affected: yes. Observed: 12 variant alleles.
Comment: CHEK2: BP4

Molecular Diagnostics Laboratory, Catalan Institute of Oncology
Classification: Uncertain significance for Hereditary cancer-predisposing syndrome. Last evaluated: 2025-06-04. Review status: criteria provided, single submitter. Criteria: ACMG Guidelines, 2015. Collection method: clinical testing. Allele origin: germline.
Comment: CHEK2:c.*18C>T, alters a nucleotide located in the untranslated mRNA region downstream of the final stop codon of the gene. This variant is found in 51/115392 alleles, at a filter allele frequency of 0.03% at 95% confidence, within the non-Finnish European population in the gnomAD v2.1.1 database, non-cancer dataset. The SpliceAI algorithm predicts no significant impact on splicing. To our knowledge, neither relevant clinical data nor well-established functional studies have been reported for this variant. This variant has been observed in multiple cancer-affected individuals from our internal cohort of patients. This variant has been reported in 3 out of 95 breast cancer-affected individuals and 2 out of 60 healthy controls (PMID: 34991090). This variant has been reported in the ClinVar database (2x uncertain significance) and in LOVD (1x benign, 2x likely benign). Based on currently available information, the variant c.*18C>T should be considered an uncertain significance variant according to ACMG/AMP classification guidelines.

Center for Genomic Medicine, Rigshospitalet, Copenhagen University Hospital
Classification: Likely benign. Last evaluated: 2025-03-04. Review status: criteria provided, single submitter. Criteria: ACMG Guidelines, 2015. Collection method: clinical testing. Allele origin: germline.

Blueprint Genetics
Classification: Likely benign. Last evaluated: 2024-11-11. Review status: criteria provided, single submitter. Criteria: ACMG Guidelines, 2015. Collection method: clinical testing. Allele origin: germline.

CHEO Genetics Diagnostic Laboratory, Children's Hospital of Eastern Ontario
Classification: Uncertain significance for Breast and/or ovarian cancer. Last evaluated: 2022-06-23. Review status: criteria provided, single submitter. Criteria: ACMG Guidelines, 2015. Collection method: clinical testing. Allele origin: germline.

Labcorp Genetics (formerly Invitae), Labcorp
Classification: Uncertain significance for Familial cancer of breast. Last evaluated: 2022-04-13. Review status: criteria provided, single submitter. Criteria: Invitae Variant Classification Sherloc (09022015). Collection method: clinical testing. Allele origin: germline.
Comment: This variant occurs in a non-coding region of the CHEK2 gene. It does not change the encoded amino acid sequence of the CHEK2 protein. The frequency data for this variant in the population databases is considered unreliable, as metrics indicate poor data quality at this position in the gnomAD database. This variant has been observed in individual(s) with breast cancer and in controls (PMID: 20722467). ClinVar contains an entry for this variant (Variation ID: 136747). In summary, the available evidence is currently insufficient to determine the role of this variant in disease. Therefore, it has been classified as a Variant of Uncertain Significance.

Institute for Clinical Genetics, University Hospital TU Dresden, University Hospital TU Dresden
Classification: Benign. Last evaluated: 2021-11-03. Review status: criteria provided, single submitter. Criteria: ACMG Guidelines, 2015. Collection method: clinical testing. Allele origin: germline.

Illumina Laboratory Services, Illumina
Classification: Uncertain significance for CHEK2-Related Cancer Susceptibility. Last evaluated: 2017-04-27. Review status: criteria provided, single submitter. Criteria: ICSL Variant Classification Criteria 13 December 2019. Collection method: clinical testing. Allele origin: germline.

Color Diagnostics, LLC DBA Color Health
Classification: Likely benign for Hereditary cancer-predisposing syndrome. Last evaluated: 2016-10-26. Review status: criteria provided, single submitter. Criteria: ACMG Guidelines, 2015. Collection method: clinical testing. Allele origin: germline.

GeneDx
Classification: Benign. Last evaluated: 2014-05-27. Review status: criteria provided, single submitter. Criteria: GeneDx Variant Classification (06012015). Collection method: clinical testing. Allele origin: germline. Affected: yes.
Comment: This variant is considered likely benign or benign based on one or more of the following criteria: it is a conservative change, it occurs at a poorly conserved position in the protein, it is predicted to be benign by multiple in silico algorithms, and/or has population frequency not consistent with disease.

Counsyl
Classification: Uncertain significance for Familial cancer of breast. Last evaluated: 2016-04-07. Review status: no assertion criteria provided. Collection method: clinical testing. Allele origin: unknown. Not counted in ClinVar's aggregate classification.

Clinical Genetics Laboratory, Department of Pathology, Netherlands Cancer Institute
Classification: Likely benign. Review status: no assertion criteria provided. Collection method: clinical testing. Allele origin: germline. Affected: yes. Study: VKGL Data-share Consensus. Not counted in ClinVar's aggregate classification.

Diagnostic Laboratory, Department of Genetics, University Medical Center Groningen
Classification: Benign. Review status: no assertion criteria provided. Collection method: clinical testing. Allele origin: germline. Affected: yes. Study: VKGL Data-share Consensus. Not counted in ClinVar's aggregate classification.

Literature cited by the submitters: PubMed 20722467 (cited by Labcorp Genetics (formerly Invitae), Labcorp).